The following is an entry in ClinVar:

ClinVar aggregate classification (germline): Uncertain significance (1 of 4 stars; one submission).

Conditions:
Hereditary cancer-predisposing syndrome. Also called: Hereditary Cancer Syndrome; Hereditary neoplastic syndrome; Neoplastic Syndromes, Hereditary; Tumor predisposition. Identifiers: Orphanet 140162, MedGen C0027672, MeSH D009386, MONDO:0015356.

Submission:

Ambry Genetics
Classification: Uncertain significance for Hereditary cancer-predisposing syndrome. Last evaluated: 2021-11-11. Review status: criteria provided, single submitter. Criteria: Ambry Variant Classification Scheme 2023. Collection method: clinical testing. Allele origin: germline.
Comment: The p.Y140N variant (also known as c.418T>A), located in coding exon 4 of the FANCC gene, results from a T to A substitution at nucleotide position 418. The tyrosine at codon 140 is replaced by asparagine, an amino acid with dissimilar properties. This amino acid position is conserved. In addition, the in silico prediction for this alteration is inconclusive. Since supporting evidence is limited at this time, the clinical significance of this alteration remains unclear.

NM_000136.3(FANCC):c.418T>A (p.Tyr140Asn)

Gene: FANCC (FA complementation group C; minus strand). Cytogenetic location: 9q22.32.
Variant type: single nucleotide variant.
Coding change: c.418T>A on transcript NM_000136.3 (MANE Select); coding-DNA position 418, T replaced by A.
Protein change: p.Tyr140Asn; replaces tyrosine 140 with asparagine.
Molecular consequence: missense variant.
Genome position (GRCh38, 1-based): chr9:95,172,075, A>T on the plus strand (T>A on the coding strand, the complement: FANCC is on the minus strand). VCF-style: chr9-95172075-A-T. GRCh37 (hg19) VCF-style: chr9-97934357-A-T.
Other names: c.418T>A, p.Tyr140Asn (NM_001243743.2, NM_001243744.2); short protein forms Y140N.
Identifiers: ClinVar variation 1738564 (VCV001738564.2), dbSNP rs2541949438, ClinGen allele CA374338773.
Genomic context (GRCh38, chr9:95,172,075, plus strand): 5'-GTGATAAATTTTAAATACTCACATTTTTAAGCAAACCAGGATAGTAATCTATAGGTGCAT[A>T]CCCAAGACCTTGAGTGAAAAGAGCAACTTCTTTATCAAATCTGAGTGCTGAAAGTATATG-3'
Protein context (NP_000127.2, residues 130-150): EVALFTQGLG[Tyr140Asn]APIDYYPGLL